The following is an entry in ClinVar:

ClinVar aggregate classification (germline): Conflicting classifications of pathogenicity. Review status: criteria provided, conflicting classifications (1 of 4 stars). 3 submissions from 3 submitters: Uncertain significance (1); Benign (1); Likely benign (1). Last evaluated 2023-11-29.

Conditions:
Tremor, hereditary essential, 5 (ETM5). Identifiers: MedGen C4225223, MONDO:0014756, OMIM 616736.

Allele frequency attached by ClinVar (database versions not stated): 1000 Genomes Project 30x 0.00016; 1000 Genomes Project 0.00020; gnomAD 0.00041 and 0.00044; TOPMed 0.00042; gnomAD exomes 0.00043; ExAC 0.00049; ESP Exome Variant Server 0.00071.
gnomAD v4.1: 853 of 1,604,870 alleles (0.053%); highest among the groups gnomAD compares: South Asian, 0.067%; 2 homozygotes.

Submissions (3):

Mayo Clinic Laboratories, Mayo Clinic
Classification: Uncertain significance. Last evaluated: 2023-11-29. Review status: criteria provided, single submitter. Criteria: ACMG Guidelines, 2015. Collection method: clinical testing. Allele origin: germline. Observed: 1 variant allele.
Comment: BS2

Pars Genome Lab
Classification: Benign for Tremor, hereditary essential, 5. Last evaluated: 2021-08-09. Review status: criteria provided, single submitter. Criteria: ACMG Guidelines, 2015. Collection method: clinical testing. Allele origin: germline. Inheritance: Autosomal dominant inheritance. Affected: no.

Breakthrough Genomics
Classification: Likely benign. Review status: criteria provided, single submitter. Criteria: ACMG Guidelines, 2015. Collection method: not provided. Allele origin: germline. Inheritance: Autosomal dominant inheritance. Affected: yes.

Literature cited by the submitters: PubMed 26188006 (cited by Mayo Clinic Laboratories, Mayo Clinic); PubMed 28158909 (cited by Mayo Clinic Laboratories, Mayo Clinic); PubMed 34426522 (cited by Mayo Clinic Laboratories, Mayo Clinic).

NM_001098816.3(TENM4):c.5287G>A (p.Gly1763Arg)

Gene: TENM4 (teneurin transmembrane protein 4; minus strand). Cytogenetic location: 11q14.1.
Variant type: single nucleotide variant.
Coding change: c.5287G>A on transcript NM_001098816.3 (MANE Select); coding-DNA position 5287, G replaced by A.
Protein change: p.Gly1763Arg; replaces glycine 1763 with arginine.
Molecular consequence: missense variant.
Genome position (GRCh38, 1-based): chr11:78,676,361, C>T on the plus strand (G>A on the coding strand, the complement: TENM4 is on the minus strand). VCF-style: chr11-78676361-C-T. GRCh37 (hg19) VCF-style: chr11-78387406-C-T.
Other names: p.Gly1763Arg; short protein forms G1763R.
Identifiers: ClinVar variation 1192521 (VCV001192521.3), dbSNP rs201995608, ClinGen allele CA6206647.